The following is an entry in ClinVar:

ClinVar aggregate classification (germline): Uncertain significance (1 of 4 stars; one submission).

Conditions:
Inborn genetic diseases. Identifiers: MedGen C0950123, MeSH D030342.

Submission:

Ambry Genetics
Classification: Uncertain significance for Inborn genetic diseases. Last evaluated: 2026-07-06. Review status: criteria provided, single submitter. Criteria: Ambry Variant Classification Scheme 2023. Collection method: clinical testing. Allele origin: germline.
Comment: The p.D424Y variant (also known as c.1270G>T), located in coding exon 8 of the ETV6 gene, results from a G to T substitution at nucleotide position 1270. The aspartic acid at codon 424 is replaced by tyrosine, an amino acid with highly dissimilar properties. This amino acid position is conserved. In addition, the in silico prediction for this alteration is inconclusive. Based on the available evidence, the clinical significance of this variant remains unclear.

NM_001987.5(ETV6):c.1270G>T (p.Asp424Tyr)

Gene: ETV6 (ETS variant transcription factor 6; plus strand). Cytogenetic location: 12p13.2.
Variant type: single nucleotide variant.
Coding change: c.1270G>T on transcript NM_001987.5 (MANE Select); coding-DNA position 1270, G replaced by T.
Protein change: p.Asp424Tyr; replaces aspartic acid 424 with tyrosine.
Molecular consequence: missense variant. On other transcripts: 3 prime UTR variant (1).
Genome position (GRCh38, 1-based): chr12:11,890,957, G>T. VCF-style: chr12-11890957-G-T. GRCh37 (hg19) VCF-style: chr12-12043891-G-T.
Other names: c.1267G>T, p.Asp423Tyr (NM_001413913.1); c.1243G>T, p.Asp415Tyr (NM_001413914.1); c.1006G>T, p.Asp336Tyr (NM_001413915.1); c.*9G>T (NM_001413917.1); short protein forms D424Y, D336Y, D415Y, D423Y.
Identifiers: ClinVar variation 5036167 (VCV005036167.1).